The following is an entry in ClinVar:

NM_001374828.1(ARID1B):c.3581_3585delinsCAGA (p.Leu1194fs)

Gene: ARID1B (AT-rich interaction domain 1B; plus strand). Cytogenetic location: 6q25.3.
Variant type: Indel.
Coding change: c.3581_3585delinsCAGA on transcript NM_001374828.1 (MANE Select); coding-DNA positions 3581 to 3585, TCTGG replaced by CAGA.
Protein change: p.Leu1194fs; shifts the reading frame from leucine 1194.
Molecular consequence: frameshift variant.
Genome position (GRCh38, 1-based): chr6:157,181,045-157,181,049, TCTGG replaced by CAGA. VCF-style: chr6-157181045-TCTGG-CAGA. GRCh37 (hg19) VCF-style: chr6-157502179-TCTGG-CAGA.
Other names: c.3212_3216delTCTGGinsCAGA (NM_020732.3); c.1082_1086delinsCAGA, p.Leu361fs (NM_001363725.2); c.3461_3465delinsCAGA, p.Leu1154fs (NM_001371656.1, NM_001374820.1); c.3422_3426delinsCAGA, p.Leu1141fs (NM_017519.3); short protein forms L361fs, L1141fs, L1154fs, L1194fs.
Identifiers: ClinVar variation 589768 (VCV000589768.5), dbSNP rs1562328476, ClinGen allele CA891842595.

ClinVar aggregate classification (germline): Pathogenic (1 of 4 stars; one submission).

Conditions:
Inborn genetic diseases. Identifiers: MedGen C0950123, MeSH D030342.

Submission:

Ambry Genetics
Classification: Pathogenic for Inborn genetic diseases. Last evaluated: 2017-05-08. Review status: criteria provided, single submitter. Criteria: Ambry Variant Classification Scheme 2023. Collection method: clinical testing. Allele origin: germline.
Comment: The c.3212_3216delTCTGGinsCAGA pathogenic mutation, located in coding exon 12 of the ARID1B gene, results from the deletion of 5 nucleotides and insertion of 4 nucleotides causing a translational frameshift with a predicted alternate stop codon (p.L1071Pfs*59). This alteration is expected to result in loss of function by premature protein truncation or nonsense-mediated mRNA decay. As such, this alteration is interpreted as a disease-causing mutation.